The following is an entry in ClinVar:

NM_001244008.2(KIF1A):c.2891C>G (p.Pro964Arg)

Gene: KIF1A (kinesin family member 1A; minus strand). Cytogenetic location: 2q37.3.
Variant type: single nucleotide variant.
Coding change: c.2891C>G on transcript NM_001244008.2 (MANE Select); coding-DNA position 2891, C replaced by G.
Protein change: p.Pro964Arg; replaces proline 964 with arginine.
Molecular consequence: missense variant.
Genome position (GRCh38, 1-based): chr2:240,750,515, G>C on the plus strand (C>G on the coding strand, the complement: KIF1A is on the minus strand). VCF-style: chr2-240750515-G-C. GRCh37 (hg19) VCF-style: chr2-241689932-G-C.
Other names: c.2615C>G, p.Pro872Arg (NM_001320705.2, NM_001330289.2, NM_001379638.1); c.2690C>G, p.Pro897Arg (NM_001330290.2, NM_001379634.1, NM_001379635.1 and 1 more transcripts); c.2966C>G, p.Pro989Arg (NM_001379631.1); c.2840C>G, p.Pro947Arg (NM_001379632.1); c.2864C>G, p.Pro955Arg (NM_001379633.1, NM_001379642.1, NM_001379645.1); c.2588C>G, p.Pro863Arg (NM_001379636.1, NM_001379639.1, NM_001379640.1 and 6 more transcripts); c.2663C>G, p.Pro888Arg (NM_001379637.1, NM_001379648.1); short protein forms P863R, P872R, P888R, P897R, P947R, P955R, P964R, P989R.
Identifiers: ClinVar variation 1311341 (VCV001311341.2), dbSNP rs2049086985, ClinGen allele CA351320114.

ClinVar aggregate classification (germline): Uncertain significance (1 of 4 stars; one submission).

Allele frequency attached by ClinVar (database versions not stated): TOPMed below 0.00001.

Submission:

GeneDx
Classification: Uncertain significance. Last evaluated: 2019-12-19. Review status: criteria provided, single submitter. Criteria: GeneDx Variant Classification Process June 2021. Collection method: clinical testing. Allele origin: germline. Affected: yes.
Comment: Not observed in large population cohorts (Lek et al., 2016); In silico analysis, which includes protein predictors and evolutionary conservation, supports a deleterious effect; Has not been previously published as pathogenic or benign to our knowledge; This amino acid substitution does not occur within the predicted motor domain of the protein, where all pathogenic missense KIF1A pathogenic variants have been identified to-date (Lee et al., 2015)